The following is an entry in ClinVar:

NM_005340.7(HINT1):c.326A>G (p.Tyr109Cys)

Gene: HINT1 (histidine triad nucleotide binding protein 1; minus strand). Cytogenetic location: 5q23.3.
Variant type: single nucleotide variant.
Coding change: c.326A>G on transcript NM_005340.7 (MANE Select); coding-DNA position 326, A replaced by G.
Protein change: p.Tyr109Cys; replaces tyrosine 109 with cysteine.
Molecular consequence: missense variant. On other transcripts: non-coding transcript variant (5).
Genome position (GRCh38, 1-based): chr5:131,159,502, T>C on the plus strand (A>G on the coding strand, the complement: HINT1 is on the minus strand). VCF-style: chr5-131159502-T-C. GRCh37 (hg19) VCF-style: chr5-130495195-T-C.
Other names: short protein forms Y109C.
Identifiers: ClinVar variation 1729599 (VCV001729599.2), dbSNP rs200510993, ClinGen allele CA3398557.

ClinVar aggregate classification (germline): Uncertain significance (1 of 4 stars; one submission).

Conditions:
Inborn genetic diseases. Identifiers: MedGen C0950123, MeSH D030342.

Allele frequency attached by ClinVar (database versions not stated): gnomAD exomes below 0.00001; TOPMed below 0.00001; gnomAD 0.00001; ExAC 0.00002; 1000 Genomes Project 30x 0.00016; 1000 Genomes Project 0.00020.

Submission:

Ambry Genetics
Classification: Uncertain significance for Inborn genetic diseases. Last evaluated: 2022-03-08. Review status: criteria provided, single submitter. Criteria: Ambry Variant Classification Scheme 2023. Collection method: clinical testing. Allele origin: germline.
Comment: The p.Y109C variant (also known as c.326A>G), located in coding exon 3 of the HINT1 gene, results from an A to G substitution at nucleotide position 326. The tyrosine at codon 109 is replaced by cysteine, an amino acid with highly dissimilar properties. This amino acid position is conserved. In addition, this alteration is predicted to be deleterious by in silico analysis. Since supporting evidence is limited at this time, the clinical significance of this alteration remains unclear.